The following is an entry in ClinVar:

ClinVar aggregate classification (germline): Uncertain significance (1 of 4 stars; one submission).

Conditions:
Immunodeficiency, common variable, 7. Identifiers: Orphanet 1572, Orphanet 696894, MedGen C3542922, MONDO:0013862, OMIM 614699.

Allele frequency attached by ClinVar (database versions not stated): gnomAD exomes 0.00004 and 0.00001; ExAC 0.00007; gnomAD 0.00001; ESP Exome Variant Server 0.00008.
gnomAD v4.1: 18 of 1,613,756 alleles (0.0011%); highest among the groups gnomAD compares: Admixed American, 0.0083%; no homozygotes.

Submission:

Labcorp Genetics (formerly Invitae), Labcorp
Classification: Uncertain significance for Immunodeficiency, common variable, 7. Last evaluated: 2022-02-22. Review status: criteria provided, single submitter. Criteria: Invitae Variant Classification Sherloc (09022015). Collection method: clinical testing. Allele origin: germline.
Comment: This sequence change replaces proline, which is neutral and non-polar, with leucine, which is neutral and non-polar, at codon 151 of the CR2 protein (p.Pro151Leu). This variant is present in population databases (rs138760137, gnomAD 0.01%). This variant has not been reported in the literature in individuals affected with CR2-related conditions. ClinVar contains an entry for this variant (Variation ID: 574394). Algorithms developed to predict the effect of missense changes on protein structure and function are either unavailable or do not agree on the potential impact of this missense change (SIFT: "Deleterious"; PolyPhen-2: "Probably Damaging"; Align-GVGD: "Class C0"). In summary, the available evidence is currently insufficient to determine the role of this variant in disease. Therefore, it has been classified as a Variant of Uncertain Significance.

NM_001006658.3(CR2):c.452C>T (p.Pro151Leu)

Gene: CR2 (complement C3d receptor 2; plus strand). Cytogenetic location: 1q32.2.
Variant type: single nucleotide variant.
Coding change: c.452C>T on transcript NM_001006658.3 (MANE Select); coding-DNA position 452, C replaced by T.
Protein change: p.Pro151Leu; replaces proline 151 with leucine.
Molecular consequence: missense variant.
Genome position (GRCh38, 1-based): chr1:207,468,533, C>T. VCF-style: chr1-207468533-C-T. GRCh37 (hg19) VCF-style: chr1-207641878-C-T.
Other names: c.452C>T, p.Pro151Leu (NM_001877.5); short protein forms P151L.
Identifiers: ClinVar variation 574394 (VCV000574394.8), dbSNP rs138760137, ClinGen allele CA1368441.
Genomic context (GRCh38, chr1:207,468,533, plus strand): 5'-TTGTGAAGGATGCATCATCTGACGGCTTTTTTTTCCTGGTATGTGTGTGTAAAGTTTTCC[C>T]TCTCGAGTGTCCAGCACTTCCTATGATCCACAATGGACATCACACAAGTGAGAATGTTGG-3'
Protein context (NP_001006659.1, residues 141-161): TRLPTCVSVF[Pro151Leu]LECPALPMIH